The following is an entry in ClinVar:

ClinVar aggregate classification (germline): Conflicting classifications of pathogenicity. Review status: criteria provided, conflicting classifications (1 of 4 stars). 7 submissions from 7 submitters: Uncertain significance (1); Benign (1); Likely benign (3). 2 of the submissions do not count toward it. Last evaluated 2026-01-28.

Conditions:
CNTNAP2-related disorder. Also called: CNTNAP2-related condition.
Cortical dysplasia-focal epilepsy syndrome (PTHSL1). Also called: Pitt-Hopkins-like syndrome 1. Identifiers: Orphanet 163681, Orphanet 221150, MedGen C2750246, MONDO:0012400, OMIM 610042.
Intellectual disability. Also called: intellectual disabilities; Intellectual developmental disorder; Intellectual functioning disability. Identifiers: MedGen C3714756, MeSH D008607, MONDO:0001071, HP:0001249.

Allele frequency attached by ClinVar (database versions not stated): gnomAD 0.00006 and 0.00009; ESP Exome Variant Server 0.00008; gnomAD exomes 0.00011 and 0.00021; TOPMed 0.00014; ExAC 0.00022.
gnomAD v4.1: 186 of 1,614,034 alleles (0.012%); highest among the groups gnomAD compares: Middle Eastern, 0.13%; no homozygotes.

Submissions (7):

Labcorp Genetics (formerly Invitae), Labcorp
Classification: Likely benign for Cortical dysplasia-focal epilepsy syndrome. Last evaluated: 2026-01-28. Review status: criteria provided, single submitter. Criteria: Invitae Variant Classification Sherloc (09022015). Collection method: clinical testing. Allele origin: germline.

Blueprint Genetics
Classification: Likely benign. Last evaluated: 2024-10-17. Review status: criteria provided, single submitter. Criteria: ACMG Guidelines, 2015. Collection method: clinical testing. Allele origin: germline.

Athena Diagnostics
Classification: Likely benign. Last evaluated: 2024-09-24. Review status: criteria provided, single submitter. Criteria: Athena Diagnostics Criteria. Collection method: clinical testing. Allele origin: unknown.

Genetic Services Laboratory, University of Chicago
Classification: Uncertain significance. Last evaluated: 2015-03-04. Review status: criteria provided, single submitter. Criteria: ACMG Guidelines, 2015. Collection method: clinical testing. Allele origin: germline.

GeneDx
Classification: Benign. Last evaluated: 2013-01-21. Review status: criteria provided, single submitter. Criteria: GeneDx Variant Classification (06012015). Collection method: clinical testing. Allele origin: germline. Affected: yes.
Comment: This variant is considered likely benign or benign based on one or more of the following criteria: it is a conservative change, it occurs at a poorly conserved position in the protein, it is predicted to be benign by multiple in silico algorithms, and/or has population frequency not consistent with disease.

PreventionGenetics, part of Exact Sciences
Classification: Likely benign for CNTNAP2-related condition. Last evaluated: 2019-11-18. Review status: no assertion criteria provided. Collection method: clinical testing. Allele origin: germline. Not counted in ClinVar's aggregate classification.
Comment: This variant is classified as likely benign based on ACMG/AMP sequence variant interpretation guidelines (Richards et al. 2015 PMID: 25741868, with internal and published modifications).

Centre de Biologie Pathologie Génétique, Centre Hospitalier Universitaire de Lille
Classification: Likely benign for Intellectual disability. Last evaluated: 2019-01-01. Review status: no assertion criteria provided. Collection method: clinical testing. Allele origin: inherited. Affected: yes. Not counted in ClinVar's aggregate classification.

NM_014141.6(CNTNAP2):c.402+8A>G

Gene: CNTNAP2 (contactin associated protein 2; plus strand). Cytogenetic location: 7q35.
Variant type: single nucleotide variant.
Coding change: c.402+8A>G on transcript NM_014141.6 (MANE Select); 8 bases into the intron after coding-DNA position 402, A replaced by G.
Molecular consequence: intron variant.
Genome position (GRCh38, 1-based): chr7:146,839,912, A>G. VCF-style: chr7-146839912-A-G. GRCh37 (hg19) VCF-style: chr7-146537004-A-G.
Identifiers: ClinVar variation 136836 (VCV000136836.22), dbSNP rs201311931, ClinGen allele CA290198.
Genomic context (GRCh38, chr7:146,839,912, plus strand): 5'-ACAGCGACACAGGGAGAAACTGGAAACCCTATCATCAAGATGGGAATATCTGGGTAAGTC[A>G]TTGGCAGGAAAGCAAAGACACAGAATTGGATTGGAAATATTAGAAAATGGTACAGGATTT-3'